The following is an entry in ClinVar:

NM_000092.5(COL4A4):c.1105C>T (p.Pro369Ser)

Gene: COL4A4 (collagen type IV alpha 4 chain; minus strand). Cytogenetic location: 2q36.3.
Variant type: single nucleotide variant.
Coding change: c.1105C>T on transcript NM_000092.5 (MANE Select); coding-DNA position 1105, C replaced by T.
Protein change: p.Pro369Ser; replaces proline 369 with serine.
Molecular consequence: missense variant.
Genome position (GRCh38, 1-based): chr2:227,098,793, G>A on the plus strand (C>T on the coding strand, the complement: COL4A4 is on the minus strand). VCF-style: chr2-227098793-G-A. GRCh37 (hg19) VCF-style: chr2-227963509-G-A.
Other names: short protein forms P369S.
Identifiers: ClinVar variation 3897361 (VCV003897361.1).
Genomic context (GRCh38, chr2:227,098,793, plus strand): 5'-GACCAGGTGGTCCAACATCCCCTGTTTCTCCATAGCGGCCAGGGAACCCTGGGTCCCCTG[G>A]TGGGCCTGCCAAAGATAATGGTACATGAGAATAAACAAATGGTATGTGCATTTTAAAATT-3'
Protein context (NP_000083.3, residues 359-379): VTPPLPLKGP[Pro369Ser]GDPGFPGRYG

ClinVar aggregate classification (germline): Uncertain significance (1 of 4 stars; one submission).

Submission:

GeneDx
Classification: Uncertain significance. Last evaluated: 2024-11-05. Review status: criteria provided, single submitter. Criteria: GeneDx Variant Classification Process June 2021. Collection method: clinical testing. Allele origin: germline. Affected: yes.
Comment: Not observed at significant frequency in large population cohorts (gnomAD); In silico analysis supports that this missense variant has a deleterious effect on protein structure/function; Has not been previously published as pathogenic or benign to our knowledge; Occurs in the triple helical domain at the Y position in the canonical Gly-X-Y repeat; although this variant may have an effect on normal protein folding and function, missense substitution at the Y position is not a common mechanism of disease